The following is an entry in ClinVar:

ClinVar aggregate classification (germline): Conflicting classifications of pathogenicity. Review status: criteria provided, conflicting classifications (1 of 4 stars). 2 submissions from 2 submitters: Uncertain significance (1); Likely benign (1). Last evaluated 2024-09-25.

Allele frequency attached by ClinVar (database versions not stated): 1000 Genomes Project 30x 0.00031; gnomAD 0.00042; TOPMed 0.00042; ExAC 0.00049; gnomAD exomes 0.00063; ESP Exome Variant Server 0.00085.
gnomAD v4.1: 965 of 1,614,088 alleles (0.06%); highest among the groups gnomAD compares: Non-Finnish European, 0.078%; 1 homozygote.

Submissions (2):

Ambry Genetics
Classification: Uncertain significance. Last evaluated: 2024-09-25. Review status: criteria provided, single submitter. Criteria: Ambry Variant Classification Scheme 2023. Collection method: clinical testing. Allele origin: germline.

CeGaT Center for Human Genetics Tuebingen
Classification: Likely benign. Last evaluated: 2022-07-01. Review status: criteria provided, single submitter. Criteria: CeGaT Center For Human Genetics Tuebingen Variant Classification Criteria Version 2. Collection method: clinical testing. Allele origin: germline. Affected: yes. Observed: 1 variant allele.
Comment: STK33: BP4

NM_001352389.2(STK33):c.1286A>C (p.Gln429Pro)

Gene: STK33 (serine/threonine kinase 33; minus strand). Cytogenetic location: 11p15.4.
Variant type: single nucleotide variant.
Coding change: c.1286A>C on transcript NM_001352389.2 (MANE Select); coding-DNA position 1286, A replaced by C.
Protein change: p.Gln429Pro; replaces glutamine 429 with proline.
Molecular consequence: missense variant. On other transcripts: intron variant (1).
Genome position (GRCh38, 1-based): chr11:8,413,553, T>G on the plus strand (A>C on the coding strand, the complement: STK33 is on the minus strand). VCF-style: chr11-8413553-T-G. GRCh37 (hg19) VCF-style: chr11-8435100-T-G.
Other names: c.1163A>C, p.Gln388Pro (NM_001289058.2, NM_001352394.2, NM_001352395.2); c.725A>C, p.Gln242Pro (NM_001289059.2); c.1286A>C, p.Gln429Pro (NM_001289061.2, NM_001352387.2, NM_001352388.2 and 5 more transcripts); c.1286A>C (NM_030906.2); c.1147-20843A>C (NM_001352399.2); short protein forms Q242P, Q388P, Q429P.
Identifiers: ClinVar variation 2641580 (VCV002641580.26), dbSNP rs140349792, ClinGen allele CA5872266.